The following is an entry in ClinVar:

ClinVar aggregate classification (germline): Pathogenic. Review status: reviewed by expert panel (3 of 4 stars). 7 submissions from 7 submitters: Pathogenic (1). 6 of the submissions do not count toward it. Last evaluated 2013-09-05.

Conditions:
Lynch syndrome. Identifiers: Orphanet 144, MedGen C4552100, MONDO:0005835. Disease mechanism: loss of function.
Lynch syndrome 5 (LYNCH5). Also called: Colorectal cancer, hereditary nonpolyposis, type 5; Hereditary non-polyposis colorectal cancer, type 5. Identifiers: Orphanet 144, MedGen C1833477, MONDO:0013710, OMIM 614350. Disease mechanism: loss of function.
Hereditary cancer-predisposing syndrome. Also called: Tumor predisposition; Hereditary Cancer Syndrome; Hereditary neoplastic syndrome; Neoplastic Syndromes, Hereditary. Identifiers: Orphanet 140162, MedGen C0027672, MeSH D009386, MONDO:0015356.
Hereditary nonpolyposis colorectal neoplasms. Identifiers: MedGen C0009405, MeSH D003123.
Endometrial carcinoma. Also called: Endometrial carcinoma, somatic. Identifiers: MedGen C0476089, MONDO:0002447, OMIM 608089, HP:0012114.

Submissions (7):

International Society for Gastrointestinal Hereditary Tumours (InSiGHT)
Classification: Pathogenic for Lynch Syndrome. Last evaluated: 2013-09-05. Review status: reviewed by expert panel. Criteria: Guidelines v1.9. Collection method: research. Allele origin: germline.
Comment: Coding sequence variation resulting in a stop codon

Classified with v1.9 guidelines

Baylor Genetics
Classification: Pathogenic for Endometrial carcinoma. Last evaluated: 2023-09-13. Review status: criteria provided, single submitter. Criteria: ACMG Guidelines, 2015. Collection method: clinical testing. Allele origin: unknown. Not counted in ClinVar's aggregate classification.

Myriad Genetics, Inc.
Classification: Pathogenic for Lynch syndrome 5. Last evaluated: 2023-08-22. Review status: criteria provided, single submitter. Criteria: Myriad Autosomal Dominant, Autosomal Recessive and X-Linked Classification Criteria (2023). Collection method: clinical testing. Allele origin: unknown. Not counted in ClinVar's aggregate classification.
Comment: This variant is considered pathogenic. This variant creates a frameshift predicted to result in premature protein truncation.

Labcorp Genetics (formerly Invitae), Labcorp
Classification: Pathogenic for Hereditary nonpolyposis colorectal neoplasms. Last evaluated: 2022-06-08. Review status: criteria provided, single submitter. Criteria: Invitae Variant Classification Sherloc (09022015). Collection method: clinical testing. Allele origin: germline. Not counted in ClinVar's aggregate classification.
Comment: This sequence change creates a premature translational stop signal (p.Leu1018Hisfs*4) in the MSH6 gene. It is expected to result in an absent or disrupted protein product. Loss-of-function variants in MSH6 are known to be pathogenic (PMID: 18269114, 24362816). For these reasons, this variant has been classified as Pathogenic. ClinVar contains an entry for this variant (Variation ID: 89334). This premature translational stop signal has been observed in individual(s) with clinical features of MSH6-related conditions (PMID: 11245474). This variant is not present in population databases (gnomAD no frequency).

Ambry Genetics
Classification: Pathogenic for Hereditary cancer-predisposing syndrome. Last evaluated: 2022-02-10. Review status: criteria provided, single submitter. Criteria: Ambry Variant Classification Scheme 2023. Collection method: clinical testing. Allele origin: germline. Not counted in ClinVar's aggregate classification.
Comment: The c.3053_3054delTC pathogenic mutation, located in coding exon 4 of the MSH6 gene, results from a deletion of two nucleotides at nucleotide positions 3053 to 3054, causing a translational frameshift with a predicted alternate stop codon (p.L1018Hfs*4). This alteration has been seen in families meeting Amsterdam criteria (Huang J et al. Cancer Res., 2001 Feb;61:1619-23; Lagerstedt Robinson K et al. J. Natl. Cancer Inst., 2007 Feb;99:291-9; Ambry internal data). Of note, this alteration is also designated as 3052delCT and c.3052_3053delCT in published literature. In addition to the clinical data presented in the literature, this alteration is expected to result in loss of function by premature protein truncation or nonsense-mediated mRNA decay. As such, this alteration is interpreted as a disease-causing mutation.

Women's Health and Genetics/Laboratory Corporation of America, LabCorp
Classification: Pathogenic for Hereditary non-polyposis colon cancer. Last evaluated: 2011-08-18. Review status: criteria provided, single submitter. Criteria: LabCorp Variant Classification Summary - May 2015. Collection method: curation. Allele origin: germline. Inheritance: autosomal dominant. Affected: yes. Observed: 8 variant alleles. Not counted in ClinVar's aggregate classification.
ClinVar note: Converted during submission from pathogenic to Pathogenic.

OMIM
Classification: Pathogenic for LYNCH SYNDROME 5. Last evaluated: 2001-02-15. Review status: no assertion criteria provided. Collection method: literature only. Allele origin: germline. Not counted in ClinVar's aggregate classification.

Literature cited by the submitters: PubMed 18269114 (cited by Labcorp Genetics (formerly Invitae), Labcorp); PubMed 24362816 (cited by Labcorp Genetics (formerly Invitae), Labcorp); PubMed 11245474 (cited by 4 submitters); PubMed 17312306 (cited by Ambry Genetics and Women's Health and Genetics/Laboratory Corporation of America, LabCorp); PubMed 15837969 (cited by Women's Health and Genetics/Laboratory Corporation of America, LabCorp).

NM_000179.3(MSH6):c.3053_3054del (p.Leu1018fs)

Gene: MSH6 (mutS homolog 6; plus strand). Cytogenetic location: 2p16.3.
Variant type: Microsatellite.
Coding change: c.3053_3054del on transcript NM_000179.3 (MANE Select); coding-DNA positions 3053 to 3054, 2 bases deleted (TC; older notation c.3053_3054delTC).
Protein change: p.Leu1018fs; shifts the reading frame from leucine 1018.
Molecular consequence: frameshift variant.
Genome position (GRCh38, 1-based): chr2:47,801,036-47,801,037, TC deleted; deleting any 2 consecutive bases within chr2:47,801,034-47,801,037 gives the same sequence; the c. name uses the placement nearest the transcript's 3' end. VCF-style (leftmost placement, unchanged base first): chr2-47801033-ATC-A. GRCh37 (hg19) VCF-style: chr2-48028172-ATC-A.
Other names: c.2663_2664del, p.Leu888fs (NM_001281492.2); c.2147_2148del, p.Leu716fs (NM_001281493.2, NM_001281494.2); c.3052_3053delCT (NM_000179.2); short protein forms L888fs, L1018fs, L716fs.
Identifiers: ClinVar variation 89334 (VCV000089334.16), dbSNP rs63751407, ClinGen allele CA011455.